The following is an entry in ClinVar:

ClinVar aggregate classification (germline): Uncertain significance (1 of 4 stars; one submission).

Allele frequency attached by ClinVar (database versions not stated): gnomAD 0.00001.
gnomAD v4.1: 8 of 1,613,462 alleles (0.0005%); highest among the groups gnomAD compares: Admixed American, 0.0017%; no homozygotes.

Submission:

Laboratorio de Genetica e Diagnostico Molecular, Hospital Israelita Albert Einstein
Classification: Uncertain significance. Last evaluated: 2019-09-14. Review status: criteria provided, single submitter. Criteria: ACMG Guidelines, 2015. Collection method: clinical testing. Allele origin: germline. Affected: yes.
Comment: ACMG classification criteria: PM2, PP3

NM_003922.4(HERC1):c.7669G>T (p.Val2557Leu)

Gene: HERC1 (HECT and RLD domain containing E3 ubiquitin protein ligase family member 1; minus strand). Cytogenetic location: 15q22.31.
Variant type: single nucleotide variant.
Coding change: c.7669G>T on transcript NM_003922.4 (MANE Select); coding-DNA position 7669, G replaced by T.
Protein change: p.Val2557Leu; replaces valine 2557 with leucine.
Molecular consequence: missense variant.
Genome position (GRCh38, 1-based): chr15:63,674,519, C>A on the plus strand (G>T on the coding strand, the complement: HERC1 is on the minus strand). VCF-style: chr15-63674519-C-A. GRCh37 (hg19) VCF-style: chr15-63966718-C-A.
Other names: short protein forms V2557L.
Identifiers: ClinVar variation 1690677 (VCV001690677.2), dbSNP rs781328698, ClinGen allele CA392765033.